The following is an entry in ClinVar:

NM_006031.6(PCNT):c.8980A>G (p.Ser2994Gly)

Gene: PCNT (pericentrin; plus strand). Cytogenetic location: 21q22.3.
Variant type: single nucleotide variant.
Coding change: c.8980A>G on transcript NM_006031.6 (MANE Select); coding-DNA position 8980, A replaced by G.
Protein change: p.Ser2994Gly; replaces serine 2994 with glycine.
Molecular consequence: missense variant.
Genome position (GRCh38, 1-based): chr21:46,436,132, A>G. VCF-style: chr21-46436132-A-G. GRCh37 (hg19) VCF-style: chr21-47856045-A-G.
Other names: c.8389A>G, p.Ser2797Gly (NM_001315529.2); short protein forms S2994G, S2797G.
Identifiers: ClinVar variation 4996505 (VCV004996505.1).
Genomic context (GRCh38, chr21:46,436,132, plus strand): 5'-GAGCTGGAGGCGATGAGGCAGCGGCTGCTCTCTGCCGCCCGGCTTCTCACCAGCTTCACC[A>G]GCCAGGCCGTGGACAGGTGTGCACCCACGCCACCTGGCGCTCACTGGTCCCTTGCAGCCA-3'
Protein context (NP_006022.3, residues 2984-3004): SAARLLTSFT[Ser2994Gly]QAVDRTVNDW

ClinVar aggregate classification (germline): Uncertain significance (1 of 4 stars; one submission).

Conditions:
PCNT-related disorder. Also called: PCNT-related condition.

Submission:

PreventionGenetics, part of Exact Sciences
Classification: Uncertain significance for PCNT-related condition. Last evaluated: 2026-06-10. Review status: criteria provided, single submitter. Criteria: ACMG Guidelines, 2015. Collection method: clinical testing. Allele origin: germline.
Comment: The PCNT c.8980A>G variant is predicted to result in the amino acid substitution p.Ser2994Gly. To our knowledge, this variant has not been reported in the literature or in a large population database (gnomAD), indicating this variant is rare. At this time, the clinical significance of this variant is uncertain due to the absence of conclusive functional and genetic evidence.